The following is an entry in ClinVar:

ClinVar aggregate classification (germline): Uncertain significance (1 of 4 stars; one submission).

Submission:

Labcorp Genetics (formerly Invitae), Labcorp
Classification: Uncertain significance. Last evaluated: 2024-09-21. Review status: criteria provided, single submitter. Criteria: Invitae Variant Classification Sherloc (09022015). Collection method: clinical testing. Allele origin: germline.
Comment: This sequence change falls in intron 6 of the ANKZF1 gene. It does not directly change the encoded amino acid sequence of the ANKZF1 protein. It affects a nucleotide within the consensus splice site. This variant is present in population databases (rs758639996, gnomAD 0.01%). This variant has not been reported in the literature in individuals affected with ANKZF1-related conditions. Variants that disrupt the consensus splice site are a relatively common cause of aberrant splicing (PMID: 17576681, 9536098). Algorithms developed to predict the effect of sequence changes on RNA splicing suggest that this variant may disrupt the consensus splice site. In summary, the available evidence is currently insufficient to determine the role of this variant in disease. Therefore, it has been classified as a Variant of Uncertain Significance.

Literature cited by the submitters: PubMed 17576681; PubMed 9536098.

NM_018089.3(ANKZF1):c.671+4_671+11del

Gene: ANKZF1 (ankyrin repeat and zinc finger peptidyl tRNA hydrolase 1; plus strand). Cytogenetic location: 2q35.
Variant type: Deletion.
Coding change: c.671+4_671+11del on transcript NM_018089.3 (MANE Select); bases 4 to 11 of the intron after coding-DNA position 671, 8 bases deleted (AGAGGGTG; older notation c.671+4_671+11delAGAGGGTG).
Molecular consequence: splice donor variant.
Genome position (GRCh38, 1-based): chr2:219,233,195-219,233,202, AGAGGGTG deleted; deleting any 8 consecutive bases within chr2:219,233,189-219,233,202 gives the same sequence; the c. name uses the placement nearest the transcript's 3' end. VCF-style (leftmost placement, unchanged base first): chr2-219233188-AAGGGTGAG-A. GRCh37 (hg19) VCF-style: chr2-220097910-AAGGGTGAG-A.
Other names: c.671+4_671+11del (NM_001042410.2); c.41+4_41+11del (NM_001282792.2).
Identifiers: ClinVar variation 3631564 (VCV003631564.2).